The following is an entry in ClinVar:

NM_001372051.1(CASP8):c.492_493del (p.Ala165fs)

Gene: CASP8 (caspase 8; plus strand). Cytogenetic location: 2q33.1.
Variant type: Microsatellite.
Coding change: c.492_493del on transcript NM_001372051.1 (MANE Select); coding-DNA positions 492 to 493, 2 bases deleted (TG; older notation c.492_493delTG).
Protein change: p.Ala165fs; shifts the reading frame from alanine 165.
Molecular consequence: frameshift variant. On other transcripts: 5 prime UTR variant (11), non-coding transcript variant (22).
Genome position (GRCh38, 1-based): chr2:201,272,718-201,272,719, TG deleted; deleting any 2 consecutive bases within chr2:201,272,716-201,272,719 gives the same sequence; the c. name uses the placement nearest the transcript's 3' end. VCF-style (leftmost placement, unchanged base first): chr2-201272715-CTG-C. GRCh37 (hg19) VCF-style: chr2-202137438-CTG-C.
Other names: c.588_589del, p.Ala197fs (NM_001228.5); c.669_670del, p.Ala224fs (NM_001400642.1, NM_001080125.2, NM_001400665.1); c.492_493del, p.Ala165fs (NM_001400645.1, NM_001400648.1, NM_001400651.1 and 20 more transcripts); c.183_184del, p.Ala62fs (NM_001400669.1); c.-43TG[1] (NM_001400671.1, NM_001400672.1, NM_001400673.1 and 6 more transcripts); c.-224TG[1] (NM_001400674.1); c.-122TG[1] (NM_001400680.1); short protein forms A197fs, A62fs, A165fs, A224fs.
Identifiers: ClinVar variation 2762094 (VCV002762094.3), dbSNP rs2470084250, ClinGen allele CA645530327.

ClinVar aggregate classification (germline): Pathogenic (1 of 4 stars; one submission).

Conditions:
Autoimmune lymphoproliferative syndrome type 2B. Also called: AUTOIMMUNE LYMPHOPROLIFERATIVE SYNDROME, TYPE IIB. Identifiers: Orphanet 275517, MedGen C1846545, MONDO:0011804, OMIM 607271.

Submission:

Labcorp Genetics (formerly Invitae), Labcorp
Classification: Pathogenic for Autoimmune lymphoproliferative syndrome type 2B. Last evaluated: 2024-01-02. Review status: criteria provided, single submitter. Criteria: Invitae Variant Classification Sherloc (09022015). Collection method: clinical testing. Allele origin: germline.
Comment: This sequence change creates a premature translational stop signal (p.Ala197Profs*14) in the CASP8 gene. It is expected to result in an absent or disrupted protein product. Loss-of-function variants in CASP8 are known to be pathogenic (PMID: 12353035, 25814141). This variant is not present in population databases (gnomAD no frequency). This variant has not been reported in the literature in individuals affected with CASP8-related conditions. For these reasons, this variant has been classified as Pathogenic.

Literature cited by the submitters: PubMed 12353035; PubMed 25814141.